The following is an entry in ClinVar:

NM_016507.4(CDK12):c.4106C>T (p.Thr1369Ile)

Gene: CDK12 (cyclin dependent kinase 12; plus strand). Cytogenetic location: 17q12.
Variant type: single nucleotide variant.
Coding change: c.4106C>T on transcript NM_016507.4 (MANE Select); coding-DNA position 4106, C replaced by T.
Protein change: p.Thr1369Ile; replaces threonine 1369 with isoleucine.
Molecular consequence: missense variant.
Genome position (GRCh38, 1-based): chr17:39,530,949, C>T. VCF-style: chr17-39530949-C-T. GRCh37 (hg19) VCF-style: chr17-37687202-C-T.
Other names: c.4079C>T, p.Thr1360Ile (NM_015083.4); short protein forms T1360I, T1369I.
Identifiers: ClinVar variation 3999437 (VCV003999437.1).

ClinVar aggregate classification (germline): Uncertain significance (1 of 4 stars; one submission).

gnomAD v4.1: 1 of 1,614,100 alleles (0.000062%); highest among the groups gnomAD compares: African/African-American, 0.0013%; no homozygotes.

Submission:

Ambry Genetics
Classification: Uncertain significance. Last evaluated: 2025-05-09. Review status: criteria provided, single submitter. Criteria: Ambry Variant Classification Scheme 2023. Collection method: clinical testing. Allele origin: germline.
Comment: The p.T1369I variant (also known as c.4106C>T), located in coding exon 14 of the CDK12 gene, results from a C to T substitution at nucleotide position 4106. The threonine at codon 1369 is replaced by isoleucine, an amino acid with similar properties. This amino acid position is conserved. In addition, this alteration is predicted to be tolerated by in silico analysis. Based on the available evidence, the clinical significance of this variant remains unclear.